The following is an entry in ClinVar:

ClinVar aggregate classification (germline): Uncertain significance (1 of 4 stars; one submission).

Conditions:
Dystonia 30. Identifiers: MedGen C5543312, MONDO:0025691, OMIM 619291.

gnomAD v4.1: 1 of 1,614,130 alleles (0.000062%); highest among the groups gnomAD compares: Non-Finnish European, 0.000085%; no homozygotes.

Submission:

Diagnostics Services (NGS), CSIR - Centre For Cellular And Molecular Biology
Classification: Uncertain significance for Dystonia 30. Last evaluated: 2025-08-14. Review status: criteria provided, single submitter. Criteria: ACMG Guidelines, 2015. Collection method: clinical testing. Allele origin: germline. Affected: yes. Observed: 1 variant allele, 1 heterozygote.
Comment: The c.2321A>G variant is not present in publicly available population databases like 1000 Genomes, EVS, gnomAD, Indian Exome Database or our internal database. This variant has neither been published in the literature for VPS16-related conditions nor reported to clinical databases like Human Genome Mutation Database (HGMD), ClinVar or OMIM in any affected individuals. In-silico pathogenicity prediction programs like Polyphen-2, MutationTaster2021, CADD etc predicted this variant to be likely deleterious however these predictions were not confirmed by published functional studies.

NM_022575.4(VPS16):c.2321A>G (p.Lys774Arg)

Genes: PTPRA (protein tyrosine phosphatase receptor type A; plus strand), VPS16 (VPS16 core subunit of CORVET and HOPS complexes; plus strand). Cytogenetic location: 20p13.
Variant type: single nucleotide variant.
Coding change: c.2321A>G on transcript NM_022575.4 (MANE Select); coding-DNA position 2321, A replaced by G.
Protein change: p.Lys774Arg; replaces lysine 774 with arginine.
Molecular consequence: missense variant. On other transcripts: intron variant (1).
Genome position (GRCh38, 1-based): chr20:2,866,261, A>G. VCF-style: chr20-2866261-A-G. GRCh37 (hg19) VCF-style: chr20-2846907-A-G.
Other names: c.1889A>G, p.Lys630Arg (NM_080413.3); c.-129+944A>G (NM_002836.4); short protein forms K630R, K774R.
Identifiers: ClinVar variation 4279632 (VCV004279632.1).